The following is an entry in ClinVar:

NM_004588.5(SCN2B):c.299A>G (p.Glu100Gly)

Gene: SCN2B (sodium voltage-gated channel beta subunit 2; minus strand). Cytogenetic location: 11q23.3.
Variant type: single nucleotide variant.
Coding change: c.299A>G on transcript NM_004588.5 (MANE Select); coding-DNA position 299, A replaced by G.
Protein change: p.Glu100Gly; replaces glutamic acid 100 with glycine.
Molecular consequence: missense variant.
Genome position (GRCh38, 1-based): chr11:118,168,234, T>C on the plus strand (A>G on the coding strand, the complement: SCN2B is on the minus strand). VCF-style: chr11-118168234-T-C. GRCh37 (hg19) VCF-style: chr11-118038949-T-C.
Other names: c.299A>G (NM_004588.4); short protein forms E100G.
Identifiers: ClinVar variation 1399650 (VCV001399650.9), dbSNP rs552421963, ClinGen allele CA229507190.

ClinVar aggregate classification (germline): Uncertain significance. Review status: criteria provided, multiple submitters, no conflicts (2 of 4 stars). 2 submissions from 2 submitters: Uncertain significance (2). Last evaluated 2026-01-25.

Conditions:
Cardiovascular phenotype. Identifiers: MedGen CN230736.
Atrial fibrillation, familial, 14 (ATFB14). Identifiers: MedGen C3809312, MONDO:0014156, OMIM 615378.

Allele frequency attached by ClinVar (database versions not stated): TOPMed below 0.00001.
gnomAD v4.1: 4 of 1,614,184 alleles (0.00025%); highest among the groups gnomAD compares: Non-Finnish European, 0.00034%; no homozygotes.

Submissions (2):

Labcorp Genetics (formerly Invitae), Labcorp
Classification: Uncertain significance for Atrial fibrillation, familial, 14. Last evaluated: 2026-01-25. Review status: criteria provided, single submitter. Criteria: Invitae Variant Classification Sherloc (09022015). Collection method: clinical testing. Allele origin: germline.
Comment: This sequence change replaces glutamic acid, which is acidic and polar, with glycine, which is neutral and non-polar, at codon 100 of the SCN2B protein (p.Glu100Gly). This variant is not present in population databases (gnomAD no frequency). This variant has not been reported in the literature in individuals affected with SCN2B-related conditions. ClinVar contains an entry for this variant (Variation ID: 1399650). An algorithm developed to predict the effect of missense changes on protein structure and function (PolyPhen-2) suggests that this variant is likely to be disruptive. In summary, the available evidence is currently insufficient to determine the role of this variant in disease. Therefore, it has been classified as a Variant of Uncertain Significance.

Ambry Genetics
Classification: Uncertain significance for Cardiovascular phenotype. Last evaluated: 2025-07-12. Review status: criteria provided, single submitter. Criteria: Ambry Variant Classification Scheme 2023. Collection method: clinical testing. Allele origin: germline.
Comment: The p.E100G variant (also known as c.299A>G), located in coding exon 3 of the SCN2B gene, results from an A to G substitution at nucleotide position 299. The glutamic acid at codon 100 is replaced by glycine, an amino acid with similar properties. This amino acid position is conserved. In addition, the in silico prediction for this alteration is inconclusive. Based on the available evidence, the clinical significance of this variant remains unclear.